The following is an entry in ClinVar:

ClinVar aggregate classification (germline): Pathogenic (1 of 4 stars; one submission).

Conditions:
Birt-Hogg-Dube syndrome. Also called: Birt Hogg Dubé syndrome. Identifiers: Orphanet 122, MedGen C0346010, MONDO:0800444.

Allele frequency attached by ClinVar (database versions not stated): ExAC 0.00001.

Submission:

Labcorp Genetics (formerly Invitae), Labcorp
Classification: Pathogenic for Birt-Hogg-Dube syndrome. Last evaluated: 2022-09-06. Review status: criteria provided, single submitter. Criteria: Invitae Variant Classification Sherloc (09022015). Collection method: clinical testing. Allele origin: germline.
Comment: This variant is not present in population databases (gnomAD no frequency). This sequence change creates a premature translational stop signal (p.Glu487Ilefs*7) in the FLCN gene. It is expected to result in an absent or disrupted protein product. Loss-of-function variants in FLCN are known to be pathogenic (PMID: 15852235). This variant has not been reported in the literature in individuals affected with FLCN-related conditions. ClinVar contains an entry for this variant (Variation ID: 460596). For these reasons, this variant has been classified as Pathogenic.

Literature cited by the submitters: PubMed 15852235.

NM_144997.7(FLCN):c.1451_1458dup (p.Glu487fs)

Gene: FLCN (folliculin; minus strand). Cytogenetic location: 17p11.2.
Variant type: Duplication.
Coding change: c.1451_1458dup on transcript NM_144997.7 (MANE Select); coding-DNA positions 1451 to 1458, 8 bases duplicated (ATAAGATT; older notation c.1451_1458dupATAAGATT).
Protein change: p.Glu487fs; shifts the reading frame from glutamic acid 487.
Molecular consequence: frameshift variant.
Genome position (GRCh38, 1-based): chr17:17,215,065-17,215,072, AATCTTAT duplicated on the plus strand (ATAAGATT on the coding strand, the reverse complement: FLCN is on the minus strand). VCF-style (leftmost placement, unchanged base first): chr17-17215064-C-CAATCTTAT. GRCh37 (hg19) VCF-style: chr17-17118378-C-CAATCTTAT.
Other names: c.1451_1458dup (LRG_325t1); c.1451_1458dupATAAGATT (NM_144997.5); c.1505_1512dup, p.Glu505fs (NM_001353229.2); c.1451_1458dup, p.Glu487fs (NM_001353230.2, NM_001353231.2); short protein forms E487fs, E505fs.
Identifiers: ClinVar variation 460596 (VCV000460596.5), dbSNP rs757197845, ClinGen allele CA8415960.